The following is an entry in ClinVar:

NM_025103.4(IFT74):c.56G>C (p.Gly19Ala)

Gene: IFT74 (intraflagellar transport 74; plus strand). Cytogenetic location: 9p21.2.
Variant type: single nucleotide variant.
Coding change: c.56G>C on transcript NM_025103.4 (MANE Select); coding-DNA position 56, G replaced by C.
Protein change: p.Gly19Ala; replaces glycine 19 with alanine.
Molecular consequence: missense variant.
Genome position (GRCh38, 1-based): chr9:26,962,023, G>C. VCF-style: chr9-26962023-G-C. GRCh37 (hg19) VCF-style: chr9-26962021-G-C.
Other names: c.56G>C, p.Gly19Ala (NM_001099222.3, NM_001099223.3, NM_001099224.3 and 1 more transcripts); c.56G>C (NM_025103.2); short protein forms G19A.
Identifiers: ClinVar variation 1406256 (VCV001406256.6), dbSNP rs759834567, ClinGen allele CA5014793.

ClinVar aggregate classification (germline): Uncertain significance. Review status: criteria provided, multiple submitters, no conflicts (2 of 4 stars). 2 submissions from 2 submitters: Uncertain significance (2). Last evaluated 2025-12-15.

Conditions:
IFT74-related disorder. Also called: IFT74-related condition; IFT74-Related Disorders.

Allele frequency attached by ClinVar (database versions not stated): gnomAD 0.00001; TOPMed 0.00002; gnomAD exomes 0.00005; ExAC 0.00007.
gnomAD v4.1: 46 of 1,614,024 alleles (0.0029%); highest among the groups gnomAD compares: Middle Eastern, 0.066%; no homozygotes.

Submissions (2):

PreventionGenetics, part of Exact Sciences
Classification: Uncertain significance for IFT74-related condition. Last evaluated: 2025-12-15. Review status: criteria provided, single submitter. Criteria: ACMG Guidelines, 2015. Collection method: clinical testing. Allele origin: germline.
Comment: The IFT74 c.56G>C variant is predicted to result in the amino acid substitution p.Gly19Ala. To our knowledge, this variant has not been reported in the literature. This variant is reported in 0.036% of alleles in individuals of South Asian descent in gnomAD. At this time, the clinical significance of this variant is uncertain due to the absence of conclusive functional and genetic evidence.

Labcorp Genetics (formerly Invitae), Labcorp
Classification: Uncertain significance. Last evaluated: 2024-09-14. Review status: criteria provided, single submitter. Criteria: Invitae Variant Classification Sherloc (09022015). Collection method: clinical testing. Allele origin: germline.
Comment: This sequence change replaces glycine, which is neutral and non-polar, with alanine, which is neutral and non-polar, at codon 19 of the IFT74 protein (p.Gly19Ala). This variant is present in population databases (rs759834567, gnomAD 0.04%). This variant has not been reported in the literature in individuals affected with IFT74-related conditions. ClinVar contains an entry for this variant (Variation ID: 1406256). An algorithm developed to predict the effect of missense changes on protein structure and function (PolyPhen-2) suggests that this variant is likely to be tolerated. In summary, the available evidence is currently insufficient to determine the role of this variant in disease. Therefore, it has been classified as a Variant of Uncertain Significance.